The following is an entry in ClinVar:

NM_001199107.2(TBC1D24):c.1521C>G (p.Ile507Met)

Gene: TBC1D24 (TBC1 domain family member 24; plus strand). Cytogenetic location: 16p13.3.
Variant type: single nucleotide variant.
Coding change: c.1521C>G on transcript NM_001199107.2 (MANE Select); coding-DNA position 1521, C replaced by G.
Protein change: p.Ile507Met; replaces isoleucine 507 with methionine.
Molecular consequence: missense variant.
Genome position (GRCh38, 1-based): chr16:2,500,486, C>G. VCF-style: chr16-2500486-C-G. GRCh37 (hg19) VCF-style: chr16-2550487-C-G.
Other names: c.1503C>G, p.Ile501Met (NM_020705.3); short protein forms I507M, I501M.
Identifiers: ClinVar variation 3572610 (VCV003572610.3).
Genomic context (GRCh38, chr16:2,500,486, plus strand): 5'-CTTCAACCTGCCCTCCAAGACCGAGTCCATGTTCATGGCGGGGGGCAGCGACTGCCTCAT[C>G]GTCGGTGAGCGCCAGCAGACGGGGCTCTGGGATGAGGGTGTGGGGTCCGGGCAGCTGAAG-3'
Protein context (NP_001186036.1, residues 497-517): MFMAGGSDCL[Ile507Met]VGGGGGQALY

ClinVar aggregate classification (germline): Uncertain significance. Review status: criteria provided, multiple submitters, no conflicts (2 of 4 stars). 3 submissions from 3 submitters: Uncertain significance (3). Last evaluated 2025-07-13.

Conditions:
Developmental and epileptic encephalopathy, 1 (DEE1). Also called: X-linked infantile spasms; West's syndrome; Tonic spasms with clustering, arrest of psychomotor development and hypsarrhythmia on EEG; X-Linked Infantile Spasm Syndrome; OHTAHARA SYNDROME, X-LINKED; INFANTILE SPASM SYNDROME, X-LINKED 1. Identifiers: MedGen C3463992, MONDO:0010632, OMIM 308350. Disease mechanism: loss of function.
Autosomal dominant nonsyndromic hearing loss 65. Also called: Deafness, autosomal dominant 65; TBC1D24-Related Autosomal Dominant Nonsyndromic Hearing Loss (DFNA). Identifiers: Orphanet 90635, MedGen C3892048, MONDO:0014470, OMIM 616044.

gnomAD v4.1: 1 of 1,560,420 alleles (0.000064%); highest among the groups gnomAD compares: Admixed American, 0.0019%; no homozygotes.

Submissions (3):

Labcorp Genetics (formerly Invitae), Labcorp
Classification: Uncertain significance for Developmental and epileptic encephalopathy, 1; Autosomal dominant nonsyndromic hearing loss 65. Last evaluated: 2025-07-13. Review status: criteria provided, single submitter. Criteria: Invitae Variant Classification Sherloc (09022015). Collection method: clinical testing. Allele origin: germline.
Comment: This sequence change replaces isoleucine, which is neutral and non-polar, with methionine, which is neutral and non-polar, at codon 507 of the TBC1D24 protein (p.Ile507Met). This variant is not present in population databases (gnomAD no frequency). This variant has not been reported in the literature in individuals affected with TBC1D24-related conditions. ClinVar contains an entry for this variant (Variation ID: 3572610). Invitae Evidence Modeling of protein sequence and biophysical properties (such as structural, functional, and spatial information, amino acid conservation, physicochemical variation, residue mobility, and thermodynamic stability) has been performed for this missense variant. However, the output from this modeling did not meet the statistical confidence thresholds required to predict the impact of this variant on TBC1D24 protein function. Algorithms developed to predict the effect of sequence changes on RNA splicing suggest that this variant may create or strengthen a splice site. In summary, the available evidence is currently insufficient to determine the role of this variant in disease. Therefore, it has been classified as a Variant of Uncertain Significance.

GeneDx
Classification: Uncertain significance. Last evaluated: 2024-07-10. Review status: criteria provided, single submitter. Criteria: GeneDx Variant Classification Process June 2021. Collection method: clinical testing. Allele origin: germline. Affected: yes.
Comment: Not observed at significant frequency in large population cohorts (gnomAD); In silico analysis supports that this missense variant has a deleterious effect on splicing; In silico analysis indicates that this missense variant does not alter protein structure/function; Has not been previously published as pathogenic or benign to our knowledge

Blueprint Genetics
Classification: Uncertain significance. Last evaluated: 2020-08-05. Review status: criteria provided, single submitter. Criteria: ACMG Guidelines, 2015. Collection method: clinical testing. Allele origin: germline.